The following is an entry in ClinVar:

NM_015030.2(FRYL):c.4093G>A (p.Val1365Ile)

Gene: FRYL (FRY like transcription coactivator; minus strand). Cytogenetic location: 4p11.
Variant type: single nucleotide variant.
Coding change: c.4093G>A on transcript NM_015030.2 (MANE Select); coding-DNA position 4093, G replaced by A.
Protein change: p.Val1365Ile; replaces valine 1365 with isoleucine.
Molecular consequence: missense variant.
Genome position (GRCh38, 1-based): chr4:48,557,485, C>T on the plus strand (G>A on the coding strand, the complement: FRYL is on the minus strand). VCF-style: chr4-48557485-C-T. GRCh37 (hg19) VCF-style: chr4-48559502-C-T.
Other names: short protein forms V1365I.
Identifiers: ClinVar variation 2654753 (VCV002654753.24), dbSNP rs190657630, ClinGen allele CA2914874.
Genomic context (GRCh38, chr4:48,557,485, plus strand): 5'-GCAATTATAAATACAAAACTCATTTTACCTTTGCTGTCATATACATCAGATTGTTCAAAA[C>T]CATTGCAGTGGCTTGTGGAGATCCCCATCCTTCTCCCCGTAACCAGCGCCTACTAGTCAC-3'
Protein context (NP_055845.1, residues 1355-1375): GWGSPQATAM[Val1365Ile]LNNLMYMTAK

ClinVar aggregate classification (germline): Likely benign (1 of 4 stars; one submission).

Allele frequency attached by ClinVar (database versions not stated): ESP Exome Variant Server 0.00109; TOPMed 0.00160; gnomAD 0.00165; gnomAD exomes 0.00169; ExAC 0.00208; 1000 Genomes Project 0.00280; 1000 Genomes Project 30x 0.00297.
gnomAD v4.1: 2,749 of 1,614,154 alleles (0.17%); highest among the groups gnomAD compares: Middle Eastern, 1.1%; 16 homozygotes.

Submission:

CeGaT Center for Human Genetics Tuebingen
Classification: Likely benign. Last evaluated: 2023-02-01. Review status: criteria provided, single submitter. Criteria: CeGaT Center For Human Genetics Tuebingen Variant Classification Criteria Version 2. Collection method: clinical testing. Allele origin: germline. Affected: yes. Observed: 1 variant allele.
Comment: FRYL: BS2